The following is an entry in ClinVar:

NM_022916.6(VPS33A):c.1376dup (p.Arg460fs)

Gene: VPS33A (VPS33A core subunit of CORVET and HOPS complexes; minus strand). Cytogenetic location: 12q24.31.
Variant type: Duplication.
Coding change: c.1376dup on transcript NM_022916.6 (MANE Select); coding-DNA position 1376, one base duplicated (G; older notation c.1376dupG).
Protein change: p.Arg460fs; shifts the reading frame from arginine 460.
Molecular consequence: frameshift variant.
Genome position (GRCh38, 1-based): chr12:122,235,850, C duplicated on the plus strand (G on the coding strand, the reverse complement: VPS33A is on the minus strand); the first of 6 consecutive C bases (chr12:122,235,850-122,235,855); duplicating any one gives the same sequence. VCF-style (leftmost placement, unchanged base first): chr12-122235849-G-GC. GRCh37 (hg19) VCF-style: chr12-122720396-G-GC.
Other names: c.1343dup, p.Arg449fs (NM_001351018.2); c.1328dup, p.Arg444fs (NM_001351019.2); c.1055dup, p.Arg353fs (NM_001351020.2); short protein forms R449fs, R444fs, R460fs, R353fs.
Identifiers: ClinVar variation 1504922 (VCV001504922.6), dbSNP rs1357715083, ClinGen allele CA607949794.

ClinVar aggregate classification (germline): Uncertain significance (1 of 4 stars; one submission).

Submission:

Labcorp Genetics (formerly Invitae), Labcorp
Classification: Uncertain significance. Last evaluated: 2024-10-07. Review status: criteria provided, single submitter. Criteria: Invitae Variant Classification Sherloc (09022015). Collection method: clinical testing. Allele origin: germline.
Comment: This sequence change creates a premature translational stop signal (p.Arg460Glnfs*17) in the VPS33A gene. It is expected to result in an absent or disrupted protein product. However, the current clinical and genetic evidence is not sufficient to establish whether loss-of-function variants in VPS33A cause disease. This variant is not present in population databases (gnomAD no frequency). This variant has not been reported in the literature in individuals affected with VPS33A-related conditions. ClinVar contains an entry for this variant (Variation ID: 1504922). In summary, the available evidence is currently insufficient to determine the role of this variant in disease. Therefore, it has been classified as a Variant of Uncertain Significance.